The following is an entry in ClinVar:

NM_001199280.2(HAS3):c.141G>T (p.Leu47=)

Gene: HAS3 (hyaluronan synthase 3; plus strand). Cytogenetic location: 16q22.1.
Variant type: single nucleotide variant.
Coding change: c.141G>T on transcript NM_001199280.2 (MANE Select); coding-DNA position 141, G replaced by T.
Protein change: p.Leu47=; no amino-acid change (leucine 47 retained).
Molecular consequence: synonymous variant.
Genome position (GRCh38, 1-based): chr16:69,109,536, G>T. VCF-style: chr16-69109536-G-T. GRCh37 (hg19) VCF-style: chr16-69143439-G-T.
Other names: c.141G>T, p.Leu47= (NM_005329.3, NM_138612.3).
Identifiers: ClinVar variation 91963 (VCV000091963.2), dbSNP rs147999236, ClinGen allele CA232253.
Genomic context (GRCh38, chr16:69,109,536, plus strand): 5'-AGCCTATGTGACGGGCTACCAGTTCATCCACACGGAAAAGCACTACCTGTCCTTCGGCCT[G>T]TACGGCGCCATCCTGGGCCTGCACCTGCTCATTCAGAGCCTTTTTGCCTTCCTGGAGCAC-3'
Protein context (NP_001186209.1, residues 37-57): HTEKHYLSFG[Leu47=]YGAILGLHLL

ClinVar aggregate classification (germline): Uncertain significance (0 of 4 stars; one submission).

gnomAD v4.1: 1 of 1,613,844 alleles (0.000062%); highest among the groups gnomAD compares: Non-Finnish European, 0.000085%; no homozygotes.

Submission:

Richard Lifton Laboratory, Yale University School of Medicine
Classification: Uncertain significance. Review status: no assertion criteria provided. Collection method: not provided. Allele origin: somatic.
Comment: HAS3
ClinVar note: Converted during submission from unknown to Uncertain significance.